The following is an entry in ClinVar:

ClinVar aggregate classification (germline): Uncertain significance (1 of 4 stars; one submission).

Conditions:
Senior-Loken syndrome 8 (SLSN8). Identifiers: Orphanet 3156, MedGen C4225376, MONDO:0014579, OMIM 616307.
Asphyxiating thoracic dystrophy 5 (SRTD5). Also called: SHORT-RIB THORACIC DYSPLASIA 5 WITH OR WITHOUT POLYDACTYLY; SHORT-RIB THORACIC DYSPLASIA 5 WITHOUT POLYDACTYLY. Identifiers: Orphanet 474, MedGen C3280598, MONDO:0013717, OMIM 614376.

Submission:

Labcorp Genetics (formerly Invitae), Labcorp
Classification: Uncertain significance for Senior-Loken syndrome 8; Asphyxiating thoracic dystrophy 5. Last evaluated: 2024-12-02. Review status: criteria provided, single submitter. Criteria: Invitae Variant Classification Sherloc (09022015). Collection method: clinical testing. Allele origin: germline.
Comment: This sequence change replaces glutamic acid, which is acidic and polar, with lysine, which is basic and polar, at codon 675 of the WDR19 protein (p.Glu675Lys). This variant is not present in population databases (gnomAD no frequency). This variant has not been reported in the literature in individuals affected with WDR19-related conditions. ClinVar contains an entry for this variant (Variation ID: 2016029). Invitae Evidence Modeling of protein sequence and biophysical properties (such as structural, functional, and spatial information, amino acid conservation, physicochemical variation, residue mobility, and thermodynamic stability) indicates that this missense variant is not expected to disrupt WDR19 protein function with a negative predictive value of 80%. In summary, the available evidence is currently insufficient to determine the role of this variant in disease. Therefore, it has been classified as a Variant of Uncertain Significance.

NM_025132.4(WDR19):c.2023G>A (p.Glu675Lys)

Gene: WDR19 (WD repeat domain 19; plus strand). Cytogenetic location: 4p14.
Variant type: single nucleotide variant.
Coding change: c.2023G>A on transcript NM_025132.4 (MANE Select); coding-DNA position 2023, G replaced by A.
Protein change: p.Glu675Lys; replaces glutamic acid 675 with lysine.
Molecular consequence: missense variant.
Genome position (GRCh38, 1-based): chr4:39,231,837, G>A. VCF-style: chr4-39231837-G-A. GRCh37 (hg19) VCF-style: chr4-39233457-G-A.
Other names: c.1543G>A, p.Glu515Lys (NM_001317924.2); short protein forms E675K, E515K.
Identifiers: ClinVar variation 2016029 (VCV002016029.4), dbSNP rs2475202701, ClinGen allele CA356633658.